The following is an entry in ClinVar:

NM_012330.4(KAT6B):c.1314_1317del (p.Thr439fs)

Gene: KAT6B (lysine acetyltransferase 6B; plus strand). Cytogenetic location: 10q22.2.
Variant type: Deletion.
Coding change: c.1314_1317del on transcript NM_012330.4 (MANE Select); coding-DNA positions 1314 to 1317, 4 bases deleted (TACT; older notation c.1314_1317delTACT).
Protein change: p.Thr439fs; shifts the reading frame from threonine 439.
Molecular consequence: frameshift variant. On other transcripts: intron variant (11).
Genome position (GRCh38, 1-based): chr10:74,975,651-74,975,654, TACT deleted; deleting any 4 consecutive bases within chr10:74,975,649-74,975,654 gives the same sequence; the c. name uses the placement nearest the transcript's 3' end. VCF-style (leftmost placement, unchanged base first): chr10-74975648-CCTTA-C. GRCh37 (hg19) VCF-style: chr10-76735406-CCTTA-C.
Other names: c.846+5876_846+5879del (NM_001370133.1); c.193-3573_193-3570del (NM_001370134.1); c.1117+197_1117+200del (NM_001370141.1, NM_001256469.2, NM_001370132.1 and 3 more transcripts); c.929-1665_929-1662del (NM_001370143.1, NM_001370144.1); c.193-13368_193-13365del (NM_001370135.1); c.1314_1317del, p.Thr439fs (NM_001256468.2, NM_001370136.1, NM_001370137.1 and 1 more transcripts); short protein forms T439fs.
Identifiers: ClinVar variation 4888409 (VCV004888409.1).

ClinVar aggregate classification (germline): Likely pathogenic (1 of 4 stars; one submission).

Conditions:
Blepharophimosis - intellectual disability syndrome, SBBYS type (SBBYSS). Also called: Ohdo syndrome, SBBYS variant; SBBYSS syndrome; Say-Barber-Biesecker-Young-Simpson variant of Ohdo Syndrome; Say-Barber-Biesecker variant of Ohdo syndrome (SBBYSS); Say-Barber-Biesecker-Young-Simpson syndrome; Say-Barber-Biesecker Variant of Ohdo Syndrome. Identifiers: Orphanet 3047, MedGen C1863557, MONDO:0011365, OMIM 603736.
Genitopatellar syndrome (GTPTS). Also called: Genitopatellar syndrome (GPS); ABSENT PATELLAE, SCROTAL HYPOPLASIA, RENAL ANOMALIES, FACIAL DYSMORPHISM, AND MENTAL RETARDATION. Identifiers: Orphanet 85201, MedGen C1853566, MONDO:0011640, OMIM 606170.

Submission:

New York Genome Center
Classification: Likely pathogenic for Blepharophimosis - intellectual disability syndrome, SBBYS type; Genitopatellar syndrome. Last evaluated: 2023-11-22. Review status: criteria provided, single submitter. Criteria: NYGC Assertion Criteria 2020. Collection method: clinical testing. Allele origin: inherited. Observed: 1 variant allele, 1 heterozygote.
Comment: The inherited heterozygous c.1314_1317del variant identified in the KAT6B gene has not previously been reported in the literature or public variant repositories (ClinVar and LOVD), and is observed in 1 alelle (0.00007% MAF with 0 homozygotes) in population databases (gnomAD v4, TOPMed Freeze 8 and Freeze 10, AllOfUs), suggesting it is not a common benign variant in the populations represented in those databases. The c.1314_1317del variant is located in exon 8 of this 18-exon gene, predicted to cause a shift in the open reading frame and incorporate a premature termination codon (p.(Thr439SerfsTer17)) and is expected to result in loss-of-function via nonsense mediated decay. Other loss-of-function variants located upstream of the c.1314_1317del variant have been reported in individuals with KAT6B-related disease [PMID: 32424177; p.Gly86AlafsX26, ClinVar ID: 265697; p.Ala238ArgfsX5. ClinVar ID: 422921]. Based on available evidence, this inherited heterozygous c.1314_1317del, p.(Thr439SerfsTer17) variant identified in KAT6B is classified as Likely Pathogenic.